The following is an entry in ClinVar:

ClinVar aggregate classification (germline): Pathogenic (1 of 4 stars; one submission).

Conditions:
Fanconi anemia complementation group O. Also called: RAD51C-Related Fanconi Anemia. Identifiers: Orphanet 84, MedGen C3150653, MONDO:0013248, OMIM 613390.

Submission:

Labcorp Genetics (formerly Invitae), Labcorp
Classification: Pathogenic for Fanconi anemia complementation group O. Last evaluated: 2022-10-27. Review status: criteria provided, single submitter. Criteria: Invitae Variant Classification Sherloc (09022015). Collection method: clinical testing. Allele origin: germline.
Comment: This variant is a gross deletion of the genomic region encompassing exon(s) 1-5 of the RAD51C gene, which includes the initiator codon. This deletion extends beyond the assayed region for this gene and therefore may encompass additional genes. It is expected to result in an absent or disrupted protein product. Loss-of-function variants in RAD51C are known to be pathogenic (PMID: 20400964, 21990120, 24800917). This variant has not been reported in the literature in individuals affected with RAD51C-related conditions. For these reasons, this variant has been classified as Pathogenic.

Literature cited by the submitters: PubMed 20400964; PubMed 21990120; PubMed 24800917.

NC_000017.11:g.(?_58692625)_(58710000_?)del

Gene: RAD51C (RAD51 paralog C; plus strand). Cytogenetic location: 17q22.
Variant type: Deletion.
Identifiers: ClinVar variation 831559 (VCV000831559.2).